The following is an entry in ClinVar:

ClinVar aggregate classification (germline): Conflicting classifications of pathogenicity. Review status: criteria provided, conflicting classifications (1 of 4 stars). 2 submissions from 2 submitters: Uncertain significance (1); Likely benign (1). Last evaluated 2025-11-04.

Conditions:
Landau-Kleffner syndrome (FESD). Also called: EPILEPSY, FOCAL, WITH SPEECH DISORDER AND WITH OR WITHOUT MENTAL RETARDATION; APHASIA, ACQUIRED, WITH EPILEPSY. Identifiers: Orphanet 1945, Orphanet 725, Orphanet 98818, MedGen C0282512, MONDO:0009509, OMIM 245570.

Submissions (2):

Labcorp Genetics (formerly Invitae), Labcorp
Classification: Likely benign for Landau-Kleffner syndrome. Last evaluated: 2025-11-04. Review status: criteria provided, single submitter. Criteria: Invitae Variant Classification Sherloc (09022015). Collection method: clinical testing. Allele origin: germline.

GeneDx
Classification: Uncertain significance. Last evaluated: 2024-10-31. Review status: criteria provided, single submitter. Criteria: GeneDx Variant Classification Process June 2021. Collection method: clinical testing. Allele origin: germline. Affected: yes.
Comment: Not observed at significant frequency in large population cohorts (gnomAD); In silico analysis indicates that this missense variant does not alter protein structure/function; Has not been previously published as pathogenic or benign to our knowledge

NM_001134407.3(GRIN2A):c.3032G>C (p.Arg1011Pro)

Gene: GRIN2A (glutamate ionotropic receptor NMDA type subunit 2A; minus strand). Cytogenetic location: 16p13.2.
Variant type: single nucleotide variant.
Coding change: c.3032G>C on transcript NM_001134407.3 (MANE Select); coding-DNA position 3032, G replaced by C.
Protein change: p.Arg1011Pro; replaces arginine 1011 with proline.
Molecular consequence: missense variant.
Genome position (GRCh38, 1-based): chr16:9,764,512, C>G on the plus strand (G>C on the coding strand, the complement: GRIN2A is on the minus strand). VCF-style: chr16-9764512-C-G. GRCh37 (hg19) VCF-style: chr16-9858369-C-G.
Other names: c.3032G>C, p.Arg1011Pro (NM_000833.5, NM_001134408.2); c.3032G>C (NM_000833.3); short protein forms R1011P.
Identifiers: ClinVar variation 1581173 (VCV001581173.9), dbSNP rs1163766811, ClinGen allele CA394708815.